The following is an entry in ClinVar:

NM_025081.3(NYNRIN):c.3051C>T (p.Asp1017=)

Gene: NYNRIN (NYN domain and retroviral integrase containing; plus strand). Cytogenetic location: 14q12.
Variant type: single nucleotide variant.
Coding change: c.3051C>T on transcript NM_025081.3 (MANE Select); coding-DNA position 3051, C replaced by T.
Protein change: p.Asp1017=; no amino-acid change (aspartic acid 1017 retained).
Molecular consequence: synonymous variant.
Genome position (GRCh38, 1-based): chr14:24,414,800, C>T. VCF-style: chr14-24414800-C-T. GRCh37 (hg19) VCF-style: chr14-24884006-C-T.
Identifiers: ClinVar variation 2723857 (VCV002723857.3), dbSNP rs376159917, ClinGen allele CA7137172.

ClinVar aggregate classification (germline): Uncertain significance (1 of 4 stars; one submission).

Allele frequency attached by ClinVar (database versions not stated): TOPMed 0.00002; gnomAD 0.00005; ExAC 0.00007; gnomAD exomes 0.00007; ESP Exome Variant Server 0.00008.
gnomAD v4.1: 103 of 1,613,578 alleles (0.0064%); highest among the groups gnomAD compares: Middle Eastern, 0.017%; 1 homozygote.

Submission:

Labcorp Genetics (formerly Invitae), Labcorp
Classification: Uncertain significance. Last evaluated: 2024-01-19. Review status: criteria provided, single submitter. Criteria: Invitae Variant Classification Sherloc (09022015). Collection method: clinical testing. Allele origin: germline.
Comment: This sequence change affects codon 1017 of the NYNRIN mRNA. It is a 'silent' change, meaning that it does not change the encoded amino acid sequence of the NYNRIN protein. This variant is present in population databases (rs376159917, gnomAD 0.01%). This variant has not been reported in the literature in individuals affected with NYNRIN-related conditions. Experimental studies and prediction algorithms are not available or were not evaluated, and the effect of this variant on mRNA splicing is currently unknown. In summary, the available evidence is currently insufficient to determine the role of this variant in disease. Therefore, it has been classified as a Variant of Uncertain Significance.